The following is an entry in ClinVar:

ClinVar aggregate classification (germline): Uncertain significance. Review status: criteria provided, multiple submitters, no conflicts (2 of 4 stars). 2 submissions from 2 submitters: Uncertain significance (2). Last evaluated 2025-03-07.

Conditions:
WBP11-related disorder. Also called: WBP11-related condition.

Allele frequency attached by ClinVar (database versions not stated): gnomAD exomes below 0.00001; TOPMed 0.00001.
gnomAD v4.1: 2 of 1,509,736 alleles (0.00013%); highest among the groups gnomAD compares: Non-Finnish European, 0.000087%; no homozygotes.

Submissions (2):

PreventionGenetics, part of Exact Sciences
Classification: Uncertain significance for WBP11-related condition. Last evaluated: 2025-03-07. Review status: criteria provided, single submitter. Criteria: ACMG Guidelines, 2015. Collection method: clinical testing. Allele origin: germline.
Comment: The WBP11 c.1397G>A variant is predicted to result in the amino acid substitution p.Arg466Gln. To our knowledge, this variant has not been reported in the literature or in a large population database (gnomAD), indicating it is rare. At this time, the clinical significance of this variant is uncertain due to the absence of conclusive functional and genetic evidence.

CeGaT Center for Human Genetics Tuebingen
Classification: Uncertain significance. Last evaluated: 2023-02-01. Review status: criteria provided, single submitter. Criteria: CeGaT Center For Human Genetics Tuebingen Variant Classification Criteria Version 2. Collection method: clinical testing. Allele origin: germline. Affected: yes. Observed: 1 variant allele.
Comment: WBP11: PM2

NM_016312.3(WBP11):c.1397G>A (p.Arg466Gln)

Gene: WBP11 (WW domain binding protein 11; minus strand). Cytogenetic location: 12p12.3.
Variant type: single nucleotide variant.
Coding change: c.1397G>A on transcript NM_016312.3 (MANE Select); coding-DNA position 1397, G replaced by A.
Protein change: p.Arg466Gln; replaces arginine 466 with glutamine.
Molecular consequence: missense variant.
Genome position (GRCh38, 1-based): chr12:14,789,046, C>T on the plus strand (G>A on the coding strand, the complement: WBP11 is on the minus strand). VCF-style: chr12-14789046-C-T. GRCh37 (hg19) VCF-style: chr12-14941980-C-T.
Other names: c.1397G>A (NM_016312.2); short protein forms R466Q.
Identifiers: ClinVar variation 2642757 (VCV002642757.25), dbSNP rs1949789764, ClinGen allele CA384009403.
Genomic context (GRCh38, chr12:14,789,046, plus strand): 5'-CCACGAGGAGGGGGACCAGGAGGCAGACCTGGAGGTGGACCTGGGGGAGGGCCAGGGGGT[C>T]GGCCTGGTGGTGGTCCTGGAGGTAAAAGTCGGGGTAAGGGCCCTCGGAGTCCTGGCATTC-3'
Protein context (NP_057396.1, residues 456-476): RLLPPGPPPG[Arg466Gln]PPGPPPGPPP